The following is an entry in ClinVar:

NM_001010867.4(IBA57):c.384dup (p.Asp129Ter)

Gene: IBA57 (iron-sulfur cluster assembly factor IBA57; plus strand). Cytogenetic location: 1q42.13.
Variant type: Duplication.
Coding change: c.384dup on transcript NM_001010867.4 (MANE Select); coding-DNA position 384, one base duplicated (T; older notation c.384dupT).
Protein change: p.Asp129Ter; replaces aspartic acid 129 with a stop codon.
Molecular consequence: nonsense. On other transcripts: 5 prime UTR variant (1).
Genome position (GRCh38, 1-based): chr1:228,174,734, T duplicated. VCF-style (leftmost placement, unchanged base first): chr1-228174733-G-GT. GRCh37 (hg19) VCF-style: chr1-228362434-G-GT.
Other names: c.-196dup (NM_001310327.2); c.384dupT (NM_001010867.3); short protein forms D129*.
Identifiers: ClinVar variation 660906 (VCV000660906.8), dbSNP rs1571918251, ClinGen allele CA915942049.

ClinVar aggregate classification (germline): Pathogenic (1 of 4 stars; one submission).

Conditions:
Hereditary spastic paraplegia 74. Also called: Spastic paraplegia 74, autosomal recessive. Identifiers: Orphanet 468661, MedGen C5568837, MONDO:0014644, OMIM 616451.
Multiple mitochondrial dysfunctions syndrome 3 (MMDS3). Identifiers: Orphanet 363424, MedGen C3809165, MONDO:0014132, OMIM 615330.

Submission:

Labcorp Genetics (formerly Invitae), Labcorp
Classification: Pathogenic for Multiple mitochondrial dysfunctions syndrome 3; Hereditary spastic paraplegia 74. Last evaluated: 2025-08-04. Review status: criteria provided, single submitter. Criteria: Invitae Variant Classification Sherloc (09022015). Collection method: clinical testing. Allele origin: germline.
Comment: This sequence change creates a premature translational stop signal (p.Asp129*) in the IBA57 gene. It is expected to result in an absent or disrupted protein product. Loss-of-function variants in IBA57 are known to be pathogenic (PMID: 23462291, 25971455, 27785568, 28671726). This variant is not present in population databases (gnomAD no frequency). This variant has not been reported in the literature in individuals affected with IBA57-related conditions. ClinVar contains an entry for this variant (Variation ID: 660906). For these reasons, this variant has been classified as Pathogenic.

Literature cited by the submitters: PubMed 23462291; PubMed 25971455; PubMed 27785568; PubMed 28671726.